The following is an entry in ClinVar:

ClinVar aggregate classification (germline): Uncertain significance (1 of 4 stars; one submission).

Submission:

Ambry Genetics
Classification: Uncertain significance. Last evaluated: 2023-11-23. Review status: criteria provided, single submitter. Criteria: Ambry Variant Classification Scheme 2023. Collection method: clinical testing. Allele origin: germline.
Comment: The p.K234N variant (also known as c.702G>C), located in coding exon 1 of the EGLN1 gene, results from a G to C substitution at nucleotide position 702. The lysine at codon 234 is replaced by asparagine, an amino acid with similar properties. This amino acid position is conserved. In addition, this alteration is predicted to be tolerated by in silico analysis. Since supporting evidence is limited at this time, the clinical significance of this alteration remains unclear.

NM_022051.3(EGLN1):c.702G>C (p.Lys234Asn)

Gene: EGLN1 (egl-9 family hypoxia inducible factor 1; minus strand). Cytogenetic location: 1q42.2.
Variant type: single nucleotide variant.
Coding change: c.702G>C on transcript NM_022051.3 (MANE Select); coding-DNA position 702, G replaced by C.
Protein change: p.Lys234Asn; replaces lysine 234 with asparagine.
Molecular consequence: missense variant.
Genome position (GRCh38, 1-based): chr1:231,421,187, C>G on the plus strand (G>C on the coding strand, the complement: EGLN1 is on the minus strand). VCF-style: chr1-231421187-C-G. GRCh37 (hg19) VCF-style: chr1-231556933-C-G.
Other names: c.702G>C, p.Lys234Asn (NM_001377260.1, NM_001377261.1); short protein forms K234N.
Identifiers: ClinVar variation 3227739 (VCV003227739.1), dbSNP rs2527358873, ClinGen allele CA345235779.
Genomic context (GRCh38, chr1:231,421,187, plus strand): 5'-ATCGCCTCGGATGTCCTTGGACGAGTCACTCTTCTGGCTGACCAGCTGCCCGTCCGTGAA[C>G]TTCCCGGTGTCGTGCAGGGCGCGCACCTCGTCGCCGATCTGCTGTCCGGTCTCCTTGCCG-3'
Protein context (NP_071334.1, residues 224-244): DEVRALHDTG[Lys234Asn]FTDGQLVSQK